The following is an entry in ClinVar:

NM_001378454.1(ALMS1):c.9138T>C (p.Cys3046=)

Gene: ALMS1 (ALMS1 centrosome and basal body associated protein; plus strand). Cytogenetic location: 2p13.1.
Variant type: single nucleotide variant.
Coding change: c.9138T>C on transcript NM_001378454.1 (MANE Select); coding-DNA position 9138, T replaced by C.
Protein change: p.Cys3046=; no amino-acid change (cysteine 3046 retained).
Molecular consequence: synonymous variant.
Genome position (GRCh38, 1-based): chr2:73,491,097, T>C. VCF-style: chr2-73491097-T-C. GRCh37 (hg19) VCF-style: chr2-73718224-T-C.
Other names: c.9141T>C, p.Cys3047= (NM_015120.4).
Identifiers: ClinVar variation 391260 (VCV000391260.10), dbSNP rs779818117, ClinGen allele CA1714610.

ClinVar aggregate classification (germline): Likely benign. Review status: criteria provided, multiple submitters, no conflicts (2 of 4 stars). 3 submissions from 3 submitters: Likely benign (3). Last evaluated 2024-08-01.

Conditions:
Cardiovascular phenotype. Identifiers: MedGen CN230736.
Alstrom syndrome (ALMS). Identifiers: Orphanet 64, MedGen C0268425, MONDO:0008763, OMIM 203800.

Allele frequency attached by ClinVar (database versions not stated): gnomAD exomes below 0.00001; ExAC 0.00001; gnomAD 0.00001; TOPMed 0.00001.
gnomAD v4.1: 3 of 1,614,102 alleles (0.00019%); highest among the groups gnomAD compares: Non-Finnish European, 0.00025%; no homozygotes.

Submissions (3):

Labcorp Genetics (formerly Invitae), Labcorp
Classification: Likely benign for Alstrom syndrome. Last evaluated: 2024-08-01. Review status: criteria provided, single submitter. Criteria: Invitae Variant Classification Sherloc (09022015). Collection method: clinical testing. Allele origin: germline.

Ambry Genetics
Classification: Likely benign for Cardiovascular phenotype. Last evaluated: 2024-01-14. Review status: criteria provided, single submitter. Criteria: Ambry Variant Classification Scheme 2023. Collection method: clinical testing. Allele origin: germline.

GeneDx
Classification: Likely benign. Last evaluated: 2016-12-02. Review status: criteria provided, single submitter. Criteria: GeneDx Variant Classification (06012015). Collection method: clinical testing. Allele origin: germline. Affected: yes.
Comment: This variant is considered likely benign or benign based on one or more of the following criteria: it is a conservative change, it occurs at a poorly conserved position in the protein, it is predicted to be benign by multiple in silico algorithms, and/or has population frequency not consistent with disease.